The following is an entry in ClinVar:

ClinVar aggregate classification (germline): Pathogenic. Review status: criteria provided, single submitter (1 of 4 stars). 2 submissions from 1 submitter: Pathogenic (2). Last evaluated 2025-08-04.

Conditions:
BSN-associated seizure disorder.
BSN-associated neurodevelopmental disorder.

Submissions (2):

Institute of Human Genetics, University of Leipzig Medical Center
Classification: Pathogenic for BSN-associated seizure disorder. Last evaluated: 2025-08-04. Review status: criteria provided, single submitter. Criteria: ACMG Guidelines, 2015. Collection method: clinical testing. Allele origin: unknown. Inheritance: Autosomal dominant inheritance. Affected: yes.
Comment: Criteria applied: PVS1,PM2

Institute of Human Genetics, University of Leipzig Medical Center
Classification: Pathogenic for BSN-associated neurodevelopmental disorder. Last evaluated: 2025-08-04. Review status: criteria provided, single submitter. Criteria: ACMG Guidelines, 2015. Collection method: clinical testing. Allele origin: maternal. Inheritance: Autosomal dominant inheritance. Affected: yes.
Comment: the same text as in the submission from Institute of Human Genetics, University of Leipzig Medical Center above.

Literature cited by the submitters: PubMed 39990563; PubMed 40393460.

NM_003458.4(BSN):c.3335del (p.Ala1112fs)

Gene: BSN (bassoon presynaptic cytomatrix protein; plus strand). Cytogenetic location: 3p21.31.
Variant type: Deletion.
Coding change: c.3335del on transcript NM_003458.4 (MANE Select); coding-DNA position 3335, one base deleted (C; older notation c.3335delC).
Protein change: p.Ala1112fs; shifts the reading frame from alanine 1112.
Molecular consequence: frameshift variant.
Genome position (GRCh38, 1-based): chr3:49,652,891, C deleted. VCF-style (leftmost placement, unchanged base first): chr3-49652890-GC-G. GRCh37 (hg19) VCF-style: chr3-49690323-GC-G.
Other names: short protein forms A1112fs.
Identifiers: ClinVar variation 4279029 (VCV004279029.2).